The following is an entry in ClinVar:

ClinVar aggregate classification (germline): Pathogenic. Review status: criteria provided, single submitter (1 of 4 stars). 3 submissions from 3 submitters: Pathogenic (1). 2 of the submissions do not count toward it. Last evaluated 2022-03-31.

Conditions:
Autosomal recessive nonsyndromic hearing loss 84A. Also called: DEAFNESS, AUTOSOMAL RECESSIVE 84A; DEAFNESS, AUTOSOMAL RECESSIVE 84A, WITH VESTIBULAR DYSFUNCTION. Identifiers: Orphanet 90636, MedGen C3150654, MONDO:0013249, OMIM 613391.

gnomAD v4.1: 2 of 400,682 alleles (0.0005%); highest among the groups gnomAD compares: Non-Finnish European, 0.00088%; no homozygotes.

Submissions (3):

Victorian Clinical Genetics Services, Murdoch Childrens Research Institute
Classification: Pathogenic for Autosomal recessive nonsyndromic hearing loss 84A. Last evaluated: 2022-03-31. Review status: criteria provided, single submitter. Criteria: ACMG Guidelines, 2015. Collection method: clinical testing. Allele origin: germline. Inheritance: Autosomal recessive inheritance. Affected: yes.
Comment: Based on the classification scheme VCGS_Germline_v1.3.4, this variant is classified as Pathogenic. Following criteria are met: 0102 - Loss of function is a known mechanism of disease in this gene and is associated with autosomal recessive deafness 84A (MIM#613391), whereas the mechanism for autosomal dominant deafness 73 (MIM#617663) is unclear. (I) 0108 - This gene is associated with both recessive and dominant disease. Biallelic variants are commonly associated with recessive deafness, and dominant deafness is only established through recent publications (PMID: 29309402, 31655630, 33229591). (I) 0115 - Variants in this gene are known to have variable expressivity. High intrafamilial variability has been reported in individuals with deafness (PMID: 31655630). (I) 0201 - Variant is predicted to cause nonsense-mediated decay (NMD) and loss of protein (premature termination codon is located at least 54 nucleotides upstream of the final exon-exon junction). (SP) 0252 - This variant is homozygous. (I) 0301 - Variant is absent from gnomAD (both v2 and v3). (SP) 0701 - Other NMD predicted variants comparable to the one identified in this case have very strong previous evidence for pathogenicity (DECIPHER, PMIDs: 25557914, 33478437). (SP) 0803 - This variant has limited previous evidence of pathogenicity in an unrelated individual. This variant has been observed as homozygous in two siblings with non-syndromic hearing impairment (PMID: 20346435). (SP) 1007 - No published functional evidence has been identified for this variant. (I) 1208 - Inheritance information for this variant is not currently available in this individual. (I) Legend: (SP) - Supporting pathogenic, (I) - Information, (SB) - Supporting benign

OMIM
Classification: Pathogenic for DEAFNESS, AUTOSOMAL RECESSIVE 84A. Last evaluated: 2010-04-09. Review status: no assertion criteria provided. Collection method: literature only. Allele origin: germline. Not counted in ClinVar's aggregate classification.

ClinVar Staff, National Center for Biotechnology Information (NCBI)
No classification provided. Condition: Deafness, autosomal recessive 84. Review status: no classification provided. Collection method: not provided. Allele origin: unknown. Not counted in ClinVar's aggregate classification.

Literature cited by the submitters: PubMed 20346435 (cited by Victorian Clinical Genetics Services, Murdoch Childrens Research Institute and OMIM); PubMed 25557914 (cited by Victorian Clinical Genetics Services, Murdoch Childrens Research Institute); PubMed 29309402 (cited by Victorian Clinical Genetics Services, Murdoch Childrens Research Institute); PubMed 31655630 (cited by Victorian Clinical Genetics Services, Murdoch Childrens Research Institute); PubMed 33229591 (cited by Victorian Clinical Genetics Services, Murdoch Childrens Research Institute); PubMed 33478437 (cited by Victorian Clinical Genetics Services, Murdoch Childrens Research Institute).

NM_001145026.2(PTPRQ):c.837T>A (p.Tyr279Ter)

Gene: PTPRQ (protein tyrosine phosphatase receptor type Q; plus strand). Cytogenetic location: 12q21.31.
Variant type: single nucleotide variant.
Coding change: c.837T>A on transcript NM_001145026.2 (MANE Select); coding-DNA position 837, T replaced by A.
Protein change: p.Tyr279Ter; replaces tyrosine 279 with a stop codon.
Molecular consequence: nonsense.
Genome position (GRCh38, 1-based): chr12:80,460,829, T>A. VCF-style: chr12-80460829-T-A. GRCh37 (hg19) VCF-style: chr12-80849348-A-T.
Other names: Y497*; short protein forms Y279*.
Identifiers: ClinVar variation 156333 (VCV000156333.3), dbSNP rs183258549, ClinGen allele CA170839.